The following is an entry in ClinVar:

ClinVar aggregate classification (germline): Uncertain significance (1 of 4 stars; one submission).

Submission:

Ambry Genetics
Classification: Uncertain significance. Last evaluated: 2025-09-01. Review status: criteria provided, single submitter. Criteria: Ambry Variant Classification Scheme 2023. Collection method: clinical testing. Allele origin: germline.
Comment: The p.H1545P variant (also known as c.4634A>C), located in coding exon 41 of the KIF1B gene, results from an A to C substitution at nucleotide position 4634. The histidine at codon 1545 is replaced by proline, an amino acid with similar properties. This amino acid position is conserved. In addition, this alteration is predicted to be deleterious by in silico analysis. Based on the available evidence, the clinical significance of this variant remains unclear.

NM_001365951.3(KIF1B):c.4772A>C (p.His1591Pro)

Gene: KIF1B (kinesin family member 1B; plus strand). Cytogenetic location: 1p36.22.
Variant type: single nucleotide variant.
Coding change: c.4772A>C on transcript NM_001365951.3 (MANE Select); coding-DNA position 4772, A replaced by C.
Protein change: p.His1591Pro; replaces histidine 1591 with proline.
Molecular consequence: missense variant.
Genome position (GRCh38, 1-based): chr1:10,368,486, A>C. VCF-style: chr1-10368486-A-C. GRCh37 (hg19) VCF-style: chr1-10428544-A-C.
Other names: c.4772A>C, p.His1591Pro (NM_001365952.1); c.4634A>C, p.His1545Pro (NM_015074.3); short protein forms H1591P, H1545P.
Identifiers: ClinVar variation 4092396 (VCV004092396.1).